The following is an entry in ClinVar:

ClinVar aggregate classification (germline): Uncertain significance. Review status: criteria provided, multiple submitters, no conflicts (2 of 4 stars). 2 submissions from 2 submitters: Uncertain significance (2). Last evaluated 2025-03-12.

Conditions:
Paroxysmal central nervous system disorders.
Inborn genetic diseases. Identifiers: MedGen C0950123, MeSH D030342.

Submissions (2):

Cambridge Genomics Laboratory, East Genomic Laboratory Hub, NHS Genomic Medicine Service
Classification: Uncertain significance for Paroxysmal central nervous system disorders. Last evaluated: 2025-03-12. Review status: criteria provided, single submitter. Criteria: ACGS Best Practice Guidelines for Variant Classification in Rare Disease 2020. Collection method: clinical testing. Allele origin: germline. Affected: yes.
Comment: PM2,PP2,PP3

Ambry Genetics
Classification: Uncertain significance for Inborn genetic diseases. Last evaluated: 2023-09-26. Review status: criteria provided, single submitter. Criteria: Ambry Variant Classification Scheme 2023. Collection method: clinical testing. Allele origin: germline.

NM_152296.5(ATP1A3):c.853A>C (p.Ile285Leu)

Gene: ATP1A3 (ATPase Na+/K+ transporting subunit alpha 3; minus strand). Cytogenetic location: 19q13.2.
Variant type: single nucleotide variant.
Coding change: c.853A>C on transcript NM_152296.5 (MANE Select); coding-DNA position 853, A replaced by C.
Protein change: p.Ile285Leu; replaces isoleucine 285 with leucine.
Molecular consequence: missense variant.
Genome position (GRCh38, 1-based): chr19:41,985,058, T>G on the plus strand (A>C on the coding strand, the complement: ATP1A3 is on the minus strand). VCF-style: chr19-41985058-T-G. GRCh37 (hg19) VCF-style: chr19-42489210-T-G.
Other names: c.886A>C, p.Ile296Leu (NM_001256213.2); c.892A>C, p.Ile298Leu (NM_001256214.2); short protein forms I285L, I296L, I298L.
Identifiers: ClinVar variation 3131469 (VCV003131469.2), dbSNP rs2075273567, ClinGen allele CA406052787.
Genomic context (GRCh38, chr19:41,985,058, plus strand): 5'-ATCCGAGAATGAGGGAGAGGATGAAGAAGGAGACACCCAGGAAGACAGCCACGCCGGTGA[T>G]GAGCTGGATGAAGTGCTCAATCTCGATGGCGATGGGCGTCTTGCCCACCTCCAGCCCTGA-3'
Protein context (NP_689509.1, residues 275-295): AIEIEHFIQL[Ile285Leu]TGVAVFLGVS